The following is an entry in ClinVar:

NM_139319.3(SLC17A8):c.1362C>T (p.Asn454=)

Gene: SLC17A8 (solute carrier family 17 member 8; plus strand). Cytogenetic location: 12q23.1.
Variant type: single nucleotide variant.
Coding change: c.1362C>T on transcript NM_139319.3 (MANE Select); coding-DNA position 1362, C replaced by T.
Protein change: p.Asn454=; no amino-acid change (asparagine 454 retained).
Molecular consequence: synonymous variant.
Genome position (GRCh38, 1-based): chr12:100,418,093, C>T. VCF-style: chr12-100418093-C-T. GRCh37 (hg19) VCF-style: chr12-100811871-C-T.
Other names: c.1212C>T, p.Asn404= (NM_001145288.2).
Identifiers: ClinVar variation 681869 (VCV000681869.4), dbSNP rs185867962, ClinGen allele CA6739015.

ClinVar aggregate classification (germline): Likely benign. Review status: criteria provided, multiple submitters, no conflicts (2 of 4 stars). 2 submissions from 2 submitters: Likely benign (2). Last evaluated 2021-04-13.

Allele frequency attached by ClinVar (database versions not stated): gnomAD 0.00002 and 0.00003; gnomAD exomes 0.00002 and 0.00006; TOPMed 0.00002; ExAC 0.00006; 1000 Genomes Project 30x 0.00016; 1000 Genomes Project 0.00020.
gnomAD v4.1: 40 of 1,614,118 alleles (0.0025%); highest among the groups gnomAD compares: East Asian, 0.0022%; no homozygotes.

Submissions (2):

Labcorp Genetics (formerly Invitae), Labcorp
Classification: Likely benign. Last evaluated: 2021-04-13. Review status: criteria provided, single submitter. Criteria: Invitae Variant Classification Sherloc (09022015). Collection method: clinical testing. Allele origin: germline.

GeneDx
Classification: Likely benign. Last evaluated: 2018-04-19. Review status: criteria provided, single submitter. Criteria: GeneDx Variant Classification (06012015). Collection method: clinical testing. Allele origin: germline. Affected: yes.
Comment: This variant is considered likely benign or benign based on one or more of the following criteria: it is a conservative change, it occurs at a poorly conserved position in the protein, it is predicted to be benign by multiple in silico algorithms, and/or has population frequency not consistent with disease.